The following is an entry in ClinVar:

ClinVar aggregate classification (germline): Uncertain significance (1 of 4 stars; one submission).

Submission:

Ambry Genetics
Classification: Uncertain significance. Last evaluated: 2024-11-25. Review status: criteria provided, single submitter. Criteria: Ambry Variant Classification Scheme 2023. Collection method: clinical testing. Allele origin: germline.
Comment: Does not currently meet published gene-disease clinical validity criteria Based on insufficient or conflicting evidence, the clinical significance of this alteration remains unclear.

Literature cited by the submitters: PubMed 28106320.

NM_001136191.3(KANK2):c.243G>T (p.Trp81Cys)

Gene: KANK2 (KN motif and ankyrin repeat domains 2; minus strand). Cytogenetic location: 19p13.2.
Variant type: single nucleotide variant.
Coding change: c.243G>T on transcript NM_001136191.3 (MANE Select); coding-DNA position 243, G replaced by T.
Protein change: p.Trp81Cys; replaces tryptophan 81 with cysteine.
Molecular consequence: missense variant.
Genome position (GRCh38, 1-based): chr19:11,193,837, C>A on the plus strand (G>T on the coding strand, the complement: KANK2 is on the minus strand). VCF-style: chr19-11193837-C-A. GRCh37 (hg19) VCF-style: chr19-11304513-C-A.
Other names: c.243G>T, p.Trp81Cys (NM_001329451.2, NM_001379548.1, NM_001379549.1 and 15 more transcripts); short protein forms W81C.
Identifiers: ClinVar variation 3531698 (VCV003531698.1).